The following is an entry in ClinVar:

NM_002860.4(ALDH18A1):c.1351G>A (p.Val451Met)

Gene: ALDH18A1 (aldehyde dehydrogenase 18 family member A1; minus strand). Cytogenetic location: 10q24.1.
Variant type: single nucleotide variant.
Coding change: c.1351G>A on transcript NM_002860.4 (MANE Select); coding-DNA position 1351, G replaced by A.
Protein change: p.Val451Met; replaces valine 451 with methionine.
Molecular consequence: missense variant.
Genome position (GRCh38, 1-based): chr10:95,621,147, C>T on the plus strand (G>A on the coding strand, the complement: ALDH18A1 is on the minus strand). VCF-style: chr10-95621147-C-T. GRCh37 (hg19) VCF-style: chr10-97380904-C-T.
Other names: c.1345G>A, p.Val449Met (NM_001017423.2, NM_001323415.2); c.1018G>A, p.Val340Met (NM_001323412.2, NM_001323416.2); c.1351G>A, p.Val451Met (NM_001323413.2, NM_001323414.2); c.1246G>A, p.Val416Met (NM_001323417.2); c.1012G>A, p.Val338Met (NM_001323418.2); c.715G>A, p.Val239Met (NM_001323419.2); c.1351G>A (NM_002860.3); short protein forms V451M, V338M, V340M, V416M, V239M, V449M.
Identifiers: ClinVar variation 623751 (VCV000623751.66), dbSNP rs111344269, ClinGen allele CA5620344.

ClinVar aggregate classification (germline): Uncertain significance. Review status: criteria provided, multiple submitters, no conflicts (2 of 4 stars). 6 submissions from 6 submitters: Uncertain significance (6). Last evaluated 2024-09-30.

Conditions:
Cutis laxa, autosomal dominant 3 (ADCL3). Identifiers: Orphanet 90348, MedGen C4225268, MONDO:0014706, OMIM 616603.
Autosomal dominant spastic paraplegia type 9. Identifiers: MedGen C1832669, MONDO:0015091.
de Barsy syndrome. Also called: Cutis laxa-corneal clouding-oligophrenia syndrome. Identifiers: Orphanet 2962, MedGen C0268354, MONDO:0017569.
Autosomal recessive complex spastic paraplegia type 9B. Also called: Spastic paraplegia 9b, autosomal recessive. Identifiers: Orphanet 447760, MedGen C5568980, MONDO:0014702, OMIM 616586.

Allele frequency attached by ClinVar (database versions not stated): TOPMed 0.00002; ExAC 0.00003; gnomAD 0.00003 and 0.00004; gnomAD exomes 0.00003 and 0.00002.
gnomAD v4.1: 32 of 1,613,902 alleles (0.002%); highest among the groups gnomAD compares: African/African-American, 0.0053%; no homozygotes.

Submissions (6):

Labcorp Genetics (formerly Invitae), Labcorp
Classification: Uncertain significance for Autosomal dominant spastic paraplegia type 9; de Barsy syndrome; Cutis laxa, autosomal dominant 3. Last evaluated: 2024-09-30. Review status: criteria provided, single submitter. Criteria: Invitae Variant Classification Sherloc (09022015). Collection method: clinical testing. Allele origin: germline.
Comment: This sequence change replaces valine, which is neutral and non-polar, with methionine, which is neutral and non-polar, at codon 451 of the ALDH18A1 protein (p.Val451Met). This variant is present in population databases (rs111344269, gnomAD 0.008%). This missense change has been observed in individual(s) with ALDH18A1-related conditions (PMID: 37712079). ClinVar contains an entry for this variant (Variation ID: 623751). Invitae Evidence Modeling of protein sequence and biophysical properties (such as structural, functional, and spatial information, amino acid conservation, physicochemical variation, residue mobility, and thermodynamic stability) has been performed for this missense variant. However, the output from this modeling did not meet the statistical confidence thresholds required to predict the impact of this variant on ALDH18A1 protein function. In summary, the available evidence is currently insufficient to determine the role of this variant in disease. Therefore, it has been classified as a Variant of Uncertain Significance.

CeGaT Center for Human Genetics Tuebingen
Classification: Uncertain significance. Last evaluated: 2024-06-01. Review status: criteria provided, single submitter. Criteria: CeGaT Center For Human Genetics Tuebingen Variant Classification Criteria Version 2. Collection method: clinical testing. Allele origin: germline. Affected: yes. Observed: 2 variant alleles.

Clinical Omics and Informatics (COIN) Unit, Neuroscience Institute, University Of Cape Town
Classification: Uncertain significance for Autosomal recessive complex spastic paraplegia type 9B. Last evaluated: 2024-05-22. Review status: criteria provided, single submitter. Criteria: ACMG Guidelines, 2015. Collection method: research. Allele origin: germline. Inheritance: Autosomal recessive inheritance. Affected: yes. Observed: 1 variant allele, 1 homozygote.
Comment: PM2_supporting: The highest population allele frequency in gnomAD v4.0 is 0.00007811 (0.008%; 5/64012 alleles in European Finnish population). This variant is absent from gnomAD v2.1.1 (adequate coverage >20x confirmed) and an internal database of 1074 control alleles. PM1 met: variant occurs in the G5PR functional domain together with other recessive pathogenic variants.

GeneDx
Classification: Uncertain significance. Last evaluated: 2024-02-15. Review status: criteria provided, single submitter. Criteria: GeneDx Variant Classification Process June 2021. Collection method: clinical testing. Allele origin: germline. Affected: yes.
Comment: Identified in apparently homozygous state in a patient with hereditary spastic paraplegia (HSP) (PMID: 37712079); In silico analysis supports that this missense variant does not alter protein structure/function; This variant is associated with the following publications: (PMID: 37712079)

New York Genome Center
Classification: Uncertain significance for Cutis laxa, autosomal dominant 3. Last evaluated: 2021-02-19. Review status: criteria provided, single submitter. Criteria: NYGC Assertion Criteria 2020. Collection method: clinical testing. Allele origin: inherited. Observed: 1 heterozygote. Study: CSER-NYCKidSeq.

Revvity Omics, Revvity
Classification: Uncertain significance. Last evaluated: 2019-12-19. Review status: criteria provided, single submitter. Criteria: ACMG Guidelines, 2015. Collection method: clinical testing. Allele origin: germline.

Literature cited by the submitters: PubMed 37712079 (cited by Labcorp Genetics (formerly Invitae), Labcorp and Clinical Omics and Informatics (COIN) Unit, Neuroscience Institute, University Of Cape Town).